The following is an entry in ClinVar:

NM_001005361.3(DNM2):c.1782-7C>A

Gene: DNM2 (dynamin 2; plus strand). Cytogenetic location: 19p13.2.
Variant type: single nucleotide variant.
Coding change: c.1782-7C>A on transcript NM_001005361.3 (MANE Select); 7 bases into the intron before coding-DNA position 1782, C replaced by A.
Molecular consequence: intron variant.
Genome position (GRCh38, 1-based): chr19:10,823,781, C>A. VCF-style: chr19-10823781-C-A. GRCh37 (hg19) VCF-style: chr19-10934457-C-A.
Other names: p.?; c.1782-7C>A (NM_001005360.3, NM_001190716.2); c.1770-7C>A (NM_004945.4, NM_001005362.3).
Identifiers: ClinVar variation 379457 (VCV000379457.17), dbSNP rs200843089, ClinGen allele CA9201405.
Genomic context (GRCh38, chr19:10,823,781, plus strand): 5'-CTCTCGGCAGTCTGCCAGACCCATGGCAGGGTCAAGCTTGTGCCCCTCCTTCCCCACCCC[C>A]CCGCAGAAACGTCTACAAGGACCTGCGGCAGATCGAGCTGGCCTGTGACTCCCAGGAAGA-3'

ClinVar aggregate classification (germline): Likely benign. Review status: criteria provided, multiple submitters, no conflicts (2 of 4 stars). 4 submissions from 4 submitters: Likely benign (3). 1 of the submissions does not count toward it. Last evaluated 2026-01-28.

Conditions:
Charcot-Marie-Tooth disease dominant intermediate B (CMTDIB). Also called: CHARCOT-MARIE-TOOTH NEUROPATHY, DOMINANT INTERMEDIATE B; Charcot-Marie-Tooth disease dominant intermediate 1; CMT DI1; Charcot-Marie-Tooth disease dominant intermediate I. Identifiers: Orphanet 100044, Orphanet 228179, MedGen C1847902, MONDO:0011674, OMIM 606482.

Allele frequency attached by ClinVar (database versions not stated): TOPMed 0.00005; 1000 Genomes Project 30x 0.00016; 1000 Genomes Project 0.00020.
gnomAD v4.1: 204 of 1,613,500 alleles (0.013%); highest among the groups gnomAD compares: Non-Finnish European, 0.017%; no homozygotes.

Submissions (4):

Labcorp Genetics (formerly Invitae), Labcorp
Classification: Likely benign for Charcot-Marie-Tooth disease dominant intermediate B. Last evaluated: 2026-01-28. Review status: criteria provided, single submitter. Criteria: Invitae Variant Classification Sherloc (09022015). Collection method: clinical testing. Allele origin: germline.

Mayo Clinic Laboratories, Mayo Clinic
Classification: Likely benign. Last evaluated: 2024-01-16. Review status: criteria provided, single submitter. Criteria: ACMG Guidelines, 2015. Collection method: clinical testing. Allele origin: germline. Observed: 3 variant alleles.
Comment: BP4, BP7

GeneDx
Classification: Likely benign. Last evaluated: 2018-06-25. Review status: criteria provided, single submitter. Criteria: GeneDx Variant Classification Process June 2021. Collection method: clinical testing. Allele origin: germline. Affected: yes.

Department of Pathology and Laboratory Medicine, Sinai Health System
Classification: Uncertain significance. Review status: no assertion criteria provided. Collection method: clinical testing. Allele origin: unknown. Affected: yes. Study: The Canadian Open Genetics Repository (COGR). Not counted in ClinVar's aggregate classification.
Comment: The DNM2 c.1770-7C>A variant was not identified in the literature but was identified in dbSNP (ID: rs200843089) and ClinVar (classified as uncertain significance by Invitae and as likely benign by GeneDx). The variant was identified in control databases in 23 of 281338 chromosomes at a frequency of 0.00008175 (Genome Aggregation Database March 6, 2019, v2.1.1). The variant was observed in the following populations: European (non-Finnish) in 20 of 128000 chromosomes (freq: 0.000156), African in 2 of 24746 chromosomes (freq: 0.000081) and Latino in 1 of 35428 chromosomes (freq: 0.000028), but was not observed in the Ashkenazi Jewish, East Asian, European (Finnish), Other, or South Asian populations. The c.1770-7C>A variant is located in the 3' splice region but does not affect the invariant -1 and -2 positions. However, positions -3 and -5 to -12 are part of the splicing consensus sequence and variants involving these positions sometimes affect splicing. In addition, three of four in silico or computational prediction software programs (SpliceSiteFinder, MaxEntScan, NNSPLICE, GeneSplicer) predict a greater than 10% difference in splicing. However, this has not been confirmed by RNA analysis. In summary, based on the above information the clinical significance of this variant cannot be determined with certainty at this time. This variant is classified as a variant of uncertain significance.